The following is an entry in ClinVar:

ClinVar aggregate classification (germline): Benign/Likely benign. Review status: criteria provided, multiple submitters, no conflicts (2 of 4 stars). 3 submissions from 3 submitters: Benign (2); Likely benign (1). Last evaluated 2025-12-25.

Conditions:
CYP26B1-related disorder. Also called: CYP26B1-related condition.

Allele frequency attached by ClinVar (database versions not stated): gnomAD 0.01311 and 0.01395; 1000 Genomes Project 0.01378; ESP Exome Variant Server 0.01407; 1000 Genomes Project 30x 0.01483; TOPMed 0.01523; gnomAD exomes 0.00359; ExAC 0.00430.
gnomAD v4.1: 4,130 of 1,612,402 alleles (0.26%); highest among the groups gnomAD compares: African/African-American, 4.5%; 94 homozygotes.

Submissions (3):

Labcorp Genetics (formerly Invitae), Labcorp
Classification: Benign. Last evaluated: 2025-12-25. Review status: criteria provided, single submitter. Criteria: Invitae Variant Classification Sherloc (09022015). Collection method: clinical testing. Allele origin: germline.

PreventionGenetics, part of Exact Sciences
Classification: Benign for CYP26B1-related condition. Last evaluated: 2025-11-22. Review status: criteria provided, single submitter. Criteria: ACMG Guidelines, 2015. Collection method: clinical testing. Allele origin: germline.
Comment: This variant is classified as benign based on ACMG/AMP sequence variant interpretation guidelines (Richards et al. 2015 PMID: 25741868, with internal and published modifications).

GeneDx
Classification: Likely benign. Last evaluated: 2019-03-31. Review status: criteria provided, single submitter. Criteria: GeneDx Variant Classification Process June 2021. Collection method: clinical testing. Allele origin: germline. Affected: yes.

NM_019885.4(CYP26B1):c.705+7A>G

Gene: CYP26B1 (cytochrome P450 family 26 subfamily B member 1; minus strand). Cytogenetic location: 2p13.2.
Variant type: single nucleotide variant.
Coding change: c.705+7A>G on transcript NM_019885.4 (MANE Select); 7 bases into the intron after coding-DNA position 705, A replaced by G.
Molecular consequence: intron variant.
Genome position (GRCh38, 1-based): chr2:72,135,137, T>C on the plus strand (A>G on the coding strand, the complement: CYP26B1 is on the minus strand). VCF-style: chr2-72135137-T-C. GRCh37 (hg19) VCF-style: chr2-72362266-T-C.
Other names: c.480+7A>G (NM_001277742.2).
Identifiers: ClinVar variation 783332 (VCV000783332.14), dbSNP rs112913461, ClinGen allele CA1707977.